The following is an entry in ClinVar:

NM_004836.7(EIF2AK3):c.407C>G (p.Ser136Cys)

Gene: EIF2AK3 (eukaryotic translation initiation factor 2 alpha kinase 3; minus strand). Cytogenetic location: 2p11.2.
Variant type: single nucleotide variant.
Coding change: c.407C>G on transcript NM_004836.7 (MANE Select); coding-DNA position 407, C replaced by G.
Protein change: p.Ser136Cys; replaces serine 136 with cysteine.
Molecular consequence: missense variant. On other transcripts: 5 prime UTR variant (1).
Genome position (GRCh38, 1-based): chr2:88,613,755, G>C on the plus strand (C>G on the coding strand, the complement: EIF2AK3 is on the minus strand). VCF-style: chr2-88613755-G-C. GRCh37 (hg19) VCF-style: chr2-88913273-G-C.
Other names: c.-47C>G (NM_001313915.2); short protein forms S136C.
Identifiers: ClinVar variation 128987 (VCV000128987.24), dbSNP rs867529, ClinGen allele CA152715.

ClinVar aggregate classification (germline): Benign. Review status: criteria provided, multiple submitters, no conflicts (2 of 4 stars). 8 submissions from 8 submitters: Benign (7). 1 of the submissions does not count toward it. Last evaluated 2026-02-04.

Conditions:
Wolcott-Rallison dysplasia. Also called: Wolcott-Rallison syndrome; MED-IDDM SYNDROME. Identifiers: Orphanet 1667, MedGen C0432217, MONDO:0009192, OMIM 226980.

Allele frequency attached by ClinVar (database versions not stated): ESP Exome Variant Server 0.19837; TOPMed 0.22018; gnomAD 0.22211 and 0.23147; 1000 Genomes Project 30x 0.27264; 1000 Genomes Project 0.28055; gnomAD exomes 0.28591 and 0.30259; ExAC 0.29828.
gnomAD v4.1: 452,543 of 1,612,796 alleles (28%); highest among the groups gnomAD compares: East Asian, 46%; 67,908 homozygotes.

Submissions (8):

Labcorp Genetics (formerly Invitae), Labcorp
Classification: Benign. Last evaluated: 2026-02-04. Review status: criteria provided, single submitter. Criteria: Invitae Variant Classification Sherloc (09022015). Collection method: clinical testing. Allele origin: germline.

Blueprint Genetics
Classification: Benign. Last evaluated: 2024-11-26. Review status: criteria provided, single submitter. Criteria: ACMG Guidelines, 2015. Collection method: clinical testing. Allele origin: germline.

Genome-Nilou Lab
Classification: Benign for Wolcott-Rallison dysplasia. Last evaluated: 2021-07-30. Review status: criteria provided, single submitter. Criteria: ACMG Guidelines, 2015. Collection method: clinical testing. Allele origin: germline. Affected: no.

Mendelics
Classification: Benign for Wolcott-Rallison dysplasia. Last evaluated: 2019-05-28. Review status: criteria provided, single submitter. Criteria: Mendelics Assertion Criteria 2017. Collection method: clinical testing. Allele origin: unknown.

GeneDx
Classification: Benign. Last evaluated: 2018-11-10. Review status: criteria provided, single submitter. Criteria: GeneDx Variant Classification Process June 2021. Collection method: clinical testing. Allele origin: germline. Affected: yes.

Illumina Laboratory Services, Illumina
Classification: Benign for Wolcott-Rallison dysplasia. Last evaluated: 2018-01-12. Review status: criteria provided, single submitter. Criteria: ICSL Variant Classification Criteria 13 December 2019. Collection method: clinical testing. Allele origin: germline.
Comment: This variant was observed in the ICSL laboratory as part of a predisposition screen in an ostensibly healthy population. It had not been previously curated by ICSL or reported in the Human Gene Mutation Database (HGMD: prior to June 1st, 2018), and was therefore a candidate for classification through an automated scoring system. Utilizing variant allele frequency, disease prevalence and penetrance estimates, and inheritance mode, an automated score was calculated to assess if this variant is too frequent to cause the disease. Based on the score and internal cut-off values, a variant classified as benign is not then subjected to further curation. The score for this variant resulted in a classification of benign for this disease.

Breakthrough Genomics
Classification: Benign. Review status: criteria provided, single submitter. Criteria: ACMG Guidelines, 2015. Collection method: not provided. Allele origin: germline. Inheritance: Autosomal recessive inheritance. Affected: yes.

Genetic Services Laboratory, University of Chicago
Classification: Likely benign for AllHighlyPenetrant. Review status: no assertion criteria provided. Collection method: clinical testing. Allele origin: germline. Inheritance: Autosomal recessive inheritance. Not counted in ClinVar's aggregate classification.
Comment: Likely benign based on allele frequency in 1000 Genomes Project or ESP global frequency and its presence in a patient with a rare or unrelated disease phenotype. NOT Sanger confirmed.